The following is an entry in ClinVar:

NM_000163.5(GHR):c.-39G>C

Genes: GHR (growth hormone receptor; plus strand), LOC107963950 (GHR upstream promoter region module A; plus strand). Cytogenetic location: 5p13.1.
Variant type: single nucleotide variant.
Coding change: c.-39G>C on transcript NM_000163.5 (MANE Select); 39 bases upstream of the start codon, G replaced by C.
Molecular consequence: 5 prime UTR variant.
Genome position (GRCh38, 1-based): chr5:42,423,928, G>C. VCF-style: chr5-42423928-G-C. GRCh37 (hg19) VCF-style: chr5-42424030-G-C.
Identifiers: ClinVar variation 904300 (VCV000904300.4), dbSNP rs527709793, ClinGen allele CA118017822.

ClinVar aggregate classification (germline): Benign (1 of 4 stars; one submission).

Conditions:
Laron-type isolated somatotropin defect. Also called: Laron Syndrome; Growth hormone binding protein deficiency or dysfunction; Growth hormone receptor deficiency or dysfunction; Laron dwarfism; Laron type pituitary dwarfism I; GROWTH HORMONE RECEPTOR DEFICIENCY. Identifiers: Orphanet 633, MedGen C0271568, MONDO:0009877, OMIM 262500.

Allele frequency attached by ClinVar (database versions not stated): gnomAD 0.00788 and 0.00851; TOPMed 0.00816; 1000 Genomes Project 0.00978; 1000 Genomes Project 30x 0.01015.

Submission:

Illumina Laboratory Services, Illumina
Classification: Benign for Laron-type isolated somatotropin defect. Last evaluated: 2018-01-12. Review status: criteria provided, single submitter. Criteria: ICSL Variant Classification Criteria 13 December 2019. Collection method: clinical testing. Allele origin: germline.
Comment: This variant was observed in the ICSL laboratory as part of a predisposition screen in an ostensibly healthy population. It had not been previously curated by ICSL or reported in the Human Gene Mutation Database (HGMD: prior to June 1st, 2018), and was therefore a candidate for classification through an automated scoring system. Utilizing variant allele frequency, disease prevalence and penetrance estimates, and inheritance mode, an automated score was calculated to assess if this variant is too frequent to cause the disease. Based on the score and internal cut-off values, a variant classified as benign is not then subjected to further curation. The score for this variant resulted in a classification of benign for this disease.